The following is an entry in ClinVar:

ClinVar aggregate classification (germline): Uncertain significance (1 of 4 stars; one submission).

Conditions:
Hereditary cancer-predisposing syndrome. Also called: Tumor predisposition; Hereditary neoplastic syndrome; Neoplastic Syndromes, Hereditary; Hereditary Cancer Syndrome. Identifiers: Orphanet 140162, MedGen C0027672, MeSH D009386, MONDO:0015356.

Submission:

Labcorp Genetics (formerly Invitae), Labcorp
Classification: Uncertain significance for Hereditary cancer-predisposing syndrome. Last evaluated: 2022-11-01. Review status: criteria provided, single submitter. Criteria: Invitae Variant Classification Sherloc (09022015). Collection method: clinical testing. Allele origin: germline.
Comment: In summary, the available evidence is currently insufficient to determine the role of this variant in disease. Therefore, it has been classified as a Variant of Uncertain Significance. Advanced modeling of protein sequence and biophysical properties (such as structural, functional, and spatial information, amino acid conservation, physicochemical variation, residue mobility, and thermodynamic stability) performed at Invitae indicates that this missense variant is not expected to disrupt RAD50 protein function. This sequence change replaces glutamic acid, which is acidic and polar, with lysine, which is basic and polar, at codon 614 of the RAD50 protein (p.Glu614Lys). This variant is not present in population databases (gnomAD no frequency). This variant has not been reported in the literature in individuals affected with RAD50-related conditions. ClinVar contains an entry for this variant (Variation ID: 858323).

NM_005732.4(RAD50):c.1840G>A (p.Glu614Lys)

Gene: RAD50 (RAD50 double strand break repair protein; plus strand). Cytogenetic location: 5q31.1.
Variant type: single nucleotide variant.
Coding change: c.1840G>A on transcript NM_005732.4 (MANE Select); coding-DNA position 1840, G replaced by A.
Protein change: p.Glu614Lys; replaces glutamic acid 614 with lysine.
Molecular consequence: missense variant.
Genome position (GRCh38, 1-based): chr5:132,594,915, G>A. VCF-style: chr5-132594915-G-A. GRCh37 (hg19) VCF-style: chr5-131930607-G-A.
Other names: short protein forms E614K.
Identifiers: ClinVar variation 858323 (VCV000858323.10), dbSNP rs1038091413, ClinGen allele CA360947654.